The following is an entry in ClinVar:

ClinVar aggregate classification (germline): Uncertain significance. Review status: criteria provided, multiple submitters, no conflicts (2 of 4 stars). 2 submissions from 2 submitters: Uncertain significance (2). Last evaluated 2024-10-28.

Conditions:
Alpha thalassemia-X-linked intellectual disability syndrome (ATRX). Also called: ALPHA-THALASSEMIA/MENTAL RETARDATION SYNDROME, X-LINKED; ATR, NONDELETION TYPE; ATR-X syndrome; Alpha thalassemia mental retardation syndrome, nondeletion type, X-linked; XLMR hypotonic face syndrome; X-linked alpha-thalassemia-mental retardation syndrome. Identifiers: Orphanet 847, MedGen C1845055, MONDO:0010519, OMIM 301040.

Submissions (2):

GeneDx
Classification: Uncertain significance. Last evaluated: 2024-10-28. Review status: criteria provided, single submitter. Criteria: GeneDx Variant Classification Process June 2021. Collection method: clinical testing. Allele origin: germline. Affected: yes.
Comment: Not observed at significant frequency in large population cohorts (gnomAD); In silico analysis indicates that this missense variant does not alter protein structure/function; Has not been previously published as pathogenic or benign to our knowledge

Labcorp Genetics (formerly Invitae), Labcorp
Classification: Uncertain significance for Alpha thalassemia-X-linked intellectual disability syndrome. Last evaluated: 2024-05-02. Review status: criteria provided, single submitter. Criteria: Invitae Variant Classification Sherloc (09022015). Collection method: clinical testing. Allele origin: germline.
Comment: This sequence change replaces serine, which is neutral and polar, with glycine, which is neutral and non-polar, at codon 384 of the ATRX protein (p.Ser384Gly). This variant is not present in population databases (gnomAD no frequency). This variant has not been reported in the literature in individuals affected with ATRX-related conditions. Advanced modeling of protein sequence and biophysical properties (such as structural, functional, and spatial information, amino acid conservation, physicochemical variation, residue mobility, and thermodynamic stability) performed at Invitae indicates that this missense variant is not expected to disrupt ATRX protein function with a negative predictive value of 95%. In summary, the available evidence is currently insufficient to determine the role of this variant in disease. Therefore, it has been classified as a Variant of Uncertain Significance.

NM_000489.6(ATRX):c.1150A>G (p.Ser384Gly)

Gene: ATRX (ATRX chromatin remodeler; minus strand). Cytogenetic location: Xq21.1.
Variant type: single nucleotide variant.
Coding change: c.1150A>G on transcript NM_000489.6 (MANE Select); coding-DNA position 1150, A replaced by G.
Protein change: p.Ser384Gly; replaces serine 384 with glycine.
Molecular consequence: missense variant.
Genome position (GRCh38, 1-based): chrX:77,684,106, T>C on the plus strand (A>G on the coding strand, the complement: ATRX is on the minus strand). VCF-style: chrX-77684106-T-C. GRCh37 (hg19) VCF-style: chrX-76939598-T-C.
Other names: c.1036A>G, p.Ser346Gly (NM_138270.5); c.1150A>G (NM_000489.3); short protein forms S346G, S384G.
Identifiers: ClinVar variation 3606014 (VCV003606014.3).
Genomic context (GRCh38, chrX:77,684,106, plus strand): 5'-TCTTAATATCAGCCAACACAGACTTAAAAGCCTTAAGCTGACGTAATTTTGTAGCAGAAC[T>C]GATTTCTGAATTATCTGTTGCCTGCTTTAAAAATTTAACATAACTGGAGTTCATGTTGGC-3'
Protein context (NP_000480.3, residues 374-394): LKQATDNSEI[Ser384Gly]SATKLRQLKA